The following is an entry in ClinVar:

ClinVar aggregate classification (germline): Uncertain significance (1 of 4 stars; one submission).

Submission:

Labcorp Genetics (formerly Invitae), Labcorp
Classification: Uncertain significance. Last evaluated: 2023-04-09. Review status: criteria provided, single submitter. Criteria: Invitae Variant Classification Sherloc (09022015). Collection method: clinical testing. Allele origin: germline.
Comment: In summary, the available evidence is currently insufficient to determine the role of this variant in disease. Therefore, it has been classified as a Variant of Uncertain Significance. Advanced modeling of protein sequence and biophysical properties (such as structural, functional, and spatial information, amino acid conservation, physicochemical variation, residue mobility, and thermodynamic stability) performed at Invitae indicates that this missense variant is not expected to disrupt MYH3 protein function. This variant has not been reported in the literature in individuals affected with MYH3-related conditions. This variant is not present in population databases (gnomAD no frequency). This sequence change replaces threonine, which is neutral and polar, with alanine, which is neutral and non-polar, at codon 1313 of the MYH3 protein (p.Thr1313Ala).

NM_002470.4(MYH3):c.3937A>G (p.Thr1313Ala)

Gene: MYH3 (myosin heavy chain 3; minus strand). Cytogenetic location: 17p13.1.
Variant type: single nucleotide variant.
Coding change: c.3937A>G on transcript NM_002470.4 (MANE Select); coding-DNA position 3937, A replaced by G.
Protein change: p.Thr1313Ala; replaces threonine 1313 with alanine.
Molecular consequence: missense variant.
Genome position (GRCh38, 1-based): chr17:10,635,773, T>C on the plus strand (A>G on the coding strand, the complement: MYH3 is on the minus strand). VCF-style: chr17-10635773-T-C. GRCh37 (hg19) VCF-style: chr17-10539090-T-C.
Other names: short protein forms T1313A.
Identifiers: ClinVar variation 2961843 (VCV002961843.3), dbSNP rs2074209166, ClinGen allele CA398147090.